The following is an entry in ClinVar:

NM_001851.6(COL9A1):c.2248C>T (p.Gln750Ter)

Gene: COL9A1 (collagen type IX alpha 1 chain; minus strand). Cytogenetic location: 6q13.
Variant type: single nucleotide variant.
Coding change: c.2248C>T on transcript NM_001851.6 (MANE Select); coding-DNA position 2248, C replaced by T.
Protein change: p.Gln750Ter; replaces glutamine 750 with a stop codon.
Molecular consequence: nonsense. On other transcripts: non-coding transcript variant (1), intron variant (1).
Genome position (GRCh38, 1-based): chr6:70,234,805, G>A on the plus strand (C>T on the coding strand, the complement: COL9A1 is on the minus strand). VCF-style: chr6-70234805-G-A. GRCh37 (hg19) VCF-style: chr6-70944508-G-A.
Other names: c.1549C>T, p.Gln517Ter (NM_001377289.1); c.1519C>T, p.Gln507Ter (NM_078485.4); c.1384-212C>T (NM_001377290.1); short protein forms Q507*, Q750*, Q517*.
Identifiers: ClinVar variation 1374860 (VCV001374860.7), dbSNP rs887513791, ClinGen allele CA140848542.

ClinVar aggregate classification (germline): Pathogenic/Likely pathogenic. Review status: criteria provided, multiple submitters, no conflicts (2 of 4 stars). 2 submissions from 2 submitters: Pathogenic (1); Likely pathogenic (1). Last evaluated 2023-09-26.

Conditions:
COL9A1-related disorder. Also called: COL9A1-related disorders; COL9A1-related condition.

Allele frequency attached by ClinVar (database versions not stated): gnomAD exomes 0.00001.
gnomAD v4.1: 12 of 1,614,088 alleles (0.00074%); highest among the groups gnomAD compares: Non-Finnish European, 0.001%; no homozygotes.

Submissions (2):

Blueprint Genetics
Classification: Likely pathogenic for COL9A1-related disorders. Last evaluated: 2023-09-26. Review status: criteria provided, single submitter. Criteria: ACMG Guidelines, 2015. Collection method: clinical testing. Allele origin: germline. Affected: yes. Observed: 2 variant alleles.

Labcorp Genetics (formerly Invitae), Labcorp
Classification: Pathogenic. Last evaluated: 2022-09-01. Review status: criteria provided, single submitter. Criteria: Invitae Variant Classification Sherloc (09022015). Collection method: clinical testing. Allele origin: germline.
Comment: For these reasons, this variant has been classified as Pathogenic. ClinVar contains an entry for this variant (Variation ID: 1374860). This variant has not been reported in the literature in individuals affected with COL9A1-related conditions. This variant is not present in population databases (gnomAD no frequency). This sequence change creates a premature translational stop signal (p.Gln750*) in the COL9A1 gene. It is expected to result in an absent or disrupted protein product. Loss-of-function variants in COL9A1 are known to be pathogenic (PMID: 16909383, 21421862).

Literature cited by the submitters: PubMed 16909383 (cited by Labcorp Genetics (formerly Invitae), Labcorp); PubMed 21421862 (cited by Labcorp Genetics (formerly Invitae), Labcorp).